The following is an entry in ClinVar:

ClinVar aggregate classification (germline): Pathogenic (1 of 4 stars; one submission).

Conditions:
Fanconi anemia complementation group J. Also called: BRIP1-Related Fanconi Anemia. Identifiers: Orphanet 84, MedGen C1836860, MONDO:0012187, OMIM 609054.
Familial cancer of breast. Also called: hereditary breast carcinoma; Hereditary breast cancer; BREAST CANCER, FAMILIAL. Identifiers: Orphanet 227535, MedGen C0346153, MONDO:0016419, OMIM 114480. Disease mechanism: loss of function.

Submission:

Labcorp Genetics (formerly Invitae), Labcorp
Classification: Pathogenic for Familial cancer of breast; Fanconi anemia complementation group J. Last evaluated: 2018-07-16. Review status: criteria provided, single submitter. Criteria: Invitae Variant Classification Sherloc (09022015). Collection method: clinical testing. Allele origin: germline.
Comment: This sequence change creates a premature translational stop signal (p.Glu512*) in the BRIP1 gene. It is expected to result in an absent or disrupted protein product. This variant is not present in population databases (ExAC no frequency). This variant has not been reported in the literature in individuals with BRIP1-related disease. Loss-of-function variants in BRIP1 are known to be pathogenic (PMID: 16116423, 17033622, 21964575). For these reasons, this variant has been classified as Pathogenic.

Literature cited by the submitters: PubMed 16116423; PubMed 17033622; PubMed 21964575.

NM_032043.3(BRIP1):c.1534G>T (p.Glu512Ter)

Gene: BRIP1 (BRCA1 interacting DNA helicase 1; minus strand). Cytogenetic location: 17q23.2.
Variant type: single nucleotide variant.
Coding change: c.1534G>T on transcript NM_032043.3 (MANE Select); coding-DNA position 1534, G replaced by T.
Protein change: p.Glu512Ter; replaces glutamic acid 512 with a stop codon.
Molecular consequence: nonsense.
Genome position (GRCh38, 1-based): chr17:61,784,364, C>A on the plus strand (G>T on the coding strand, the complement: BRIP1 is on the minus strand). VCF-style: chr17-61784364-C-A. GRCh37 (hg19) VCF-style: chr17-59861725-C-A.
Other names: short protein forms E512*.
Identifiers: ClinVar variation 655130 (VCV000655130.7), dbSNP rs1603336980, ClinGen allele CA400481264.